The following is an entry in ClinVar:

NM_019594.4(LRRC8A):c.1141C>A (p.Gln381Lys)

Gene: LRRC8A (leucine rich repeat containing 8 VRAC subunit A; plus strand). Cytogenetic location: 9q34.11.
Variant type: single nucleotide variant.
Coding change: c.1141C>A on transcript NM_019594.4 (MANE Select); coding-DNA position 1141, C replaced by A.
Protein change: p.Gln381Lys; replaces glutamine 381 with lysine.
Molecular consequence: missense variant.
Genome position (GRCh38, 1-based): chr9:128,908,305, C>A. VCF-style: chr9-128908305-C-A. GRCh37 (hg19) VCF-style: chr9-131670584-C-A.
Other names: c.1141C>A, p.Gln381Lys (NM_001127244.2, NM_001127245.2); short protein forms Q381K.
Identifiers: ClinVar variation 2996867 (VCV002996867.3), dbSNP rs771039933, ClinGen allele CA5270841.
Genomic context (GRCh38, chr9:128,908,305, plus strand): 5'-AGCTACAGCGACATCCCCGACGTCAAGAACGACTTCGCCTTCATGCTGCACCTCATTGAC[C>A]AATACGACCCGCTCTACTCCAAGCGCTTCGCCGTCTTCCTGTCGGAGGTGAGTGAGAACA-3'
Protein context (NP_062540.2, residues 371-391): DFAFMLHLID[Gln381Lys]YDPLYSKRFA

ClinVar aggregate classification (germline): Uncertain significance (1 of 4 stars; one submission).

Allele frequency attached by ClinVar (database versions not stated): TOPMed below 0.00001; gnomAD exomes 0.00001; ExAC 0.00002.
gnomAD v4.1: 5 of 1,614,134 alleles (0.00031%); highest among the groups gnomAD compares: Admixed American, 0.0083%; no homozygotes.

Submission:

Labcorp Genetics (formerly Invitae), Labcorp
Classification: Uncertain significance. Last evaluated: 2024-01-07. Review status: criteria provided, single submitter. Criteria: Invitae Variant Classification Sherloc (09022015). Collection method: clinical testing. Allele origin: germline.
Comment: This sequence change replaces glutamine, which is neutral and polar, with lysine, which is basic and polar, at codon 381 of the LRRC8A protein (p.Gln381Lys). This variant is present in population databases (rs771039933, gnomAD 0.01%). This variant has not been reported in the literature in individuals affected with LRRC8A-related conditions. An algorithm developed to predict the effect of missense changes on protein structure and function (PolyPhen-2) suggests that this variant is likely to be disruptive. In summary, the available evidence is currently insufficient to determine the role of this variant in disease. Therefore, it has been classified as a Variant of Uncertain Significance.